The following is an entry in ClinVar:

NM_001807.6(CEL):c.626C>T (p.Thr209Met)

Gene: CEL (carboxyl ester lipase; plus strand). Cytogenetic location: 9q34.13.
Variant type: single nucleotide variant.
Coding change: c.626C>T on transcript NM_001807.6 (MANE Select); coding-DNA position 626, C replaced by T.
Protein change: p.Thr209Met; replaces threonine 209 with methionine.
Molecular consequence: missense variant.
Genome position (GRCh38, 1-based): chr9:133,066,617, C>T. VCF-style: chr9-133066617-C-T. GRCh37 (hg19) VCF-style: chr9-135942004-C-T.
Other names: short protein forms T209M.
Identifiers: ClinVar variation 2506629 (VCV002506629.1), dbSNP rs747153235, ClinGen allele CA5303075.

ClinVar aggregate classification (germline): Uncertain significance (1 of 4 stars; one submission).

Allele frequency attached by ClinVar (database versions not stated): gnomAD 0.00001; TOPMed 0.00004; ExAC 0.00007.
gnomAD v4.1: 50 of 1,613,722 alleles (0.0031%); highest among the groups gnomAD compares: Non-Finnish European, 0.0022%; no homozygotes.

Submission:

GeneDx
Classification: Uncertain significance. Last evaluated: 2022-12-22. Review status: criteria provided, single submitter. Criteria: GeneDx Variant Classification Process June 2021. Collection method: clinical testing. Allele origin: germline. Affected: yes.
Comment: In silico analysis supports that this missense variant has a deleterious effect on protein structure/function; Has not been previously published as pathogenic or benign to our knowledge